The following is an entry in ClinVar:

NM_145068.4(TRPV3):c.1281G>T (p.Thr427=)

Gene: TRPV3 (transient receptor potential cation channel subfamily V member 3; minus strand). Cytogenetic location: 17p13.2.
Variant type: single nucleotide variant.
Coding change: c.1281G>T on transcript NM_145068.4 (MANE Select); coding-DNA position 1281, G replaced by T.
Protein change: p.Thr427=; no amino-acid change (threonine 427 retained).
Molecular consequence: synonymous variant.
Genome position (GRCh38, 1-based): chr17:3,528,957, C>A on the plus strand (G>T on the coding strand, the complement: TRPV3 is on the minus strand). VCF-style: chr17-3528957-C-A. GRCh37 (hg19) VCF-style: chr17-3432251-C-A.
Other names: c.1281G>T, p.Thr427= (NM_001258205.2).
Identifiers: ClinVar variation 888892 (VCV000888892.8), dbSNP rs114034214, ClinGen allele CA8289521.

ClinVar aggregate classification (germline): Benign/Likely benign. Review status: criteria provided, multiple submitters, no conflicts (2 of 4 stars). 3 submissions from 3 submitters: Benign (1); Likely benign (2). Last evaluated 2025-04-05.

Conditions:
Isolated focal non-epidermolytic palmoplantar keratoderma. Also called: Palmoplantar keratoderma, nonepidermolytic, focal 2. Identifiers: Orphanet 448264, MedGen C4225339, MONDO:0014622, OMIM 616400.

Allele frequency attached by ClinVar (database versions not stated): TOPMed 0.00036; ESP Exome Variant Server 0.00038; 1000 Genomes Project 0.00040; 1000 Genomes Project 30x 0.00047.
gnomAD v4.1: 153 of 1,614,200 alleles (0.0095%); highest among the groups gnomAD compares: Middle Eastern, 0.13%; no homozygotes.

Submissions (3):

Labcorp Genetics (formerly Invitae), Labcorp
Classification: Likely benign. Last evaluated: 2025-04-05. Review status: criteria provided, single submitter. Criteria: Invitae Variant Classification Sherloc (09022015). Collection method: clinical testing. Allele origin: germline.

Blueprint Genetics
Classification: Likely benign. Last evaluated: 2024-10-23. Review status: criteria provided, single submitter. Criteria: ACMG Guidelines, 2015. Collection method: clinical testing. Allele origin: germline.

Illumina Laboratory Services, Illumina
Classification: Benign for Isolated focal non-epidermolytic palmoplantar keratoderma. Last evaluated: 2018-01-13. Review status: criteria provided, single submitter. Criteria: ICSL Variant Classification Criteria 13 December 2019. Collection method: clinical testing. Allele origin: germline.
Comment: This variant was observed in the ICSL laboratory as part of a predisposition screen in an ostensibly healthy population. It had not been previously curated by ICSL or reported in the Human Gene Mutation Database (HGMD: prior to June 1st, 2018), and was therefore a candidate for classification through an automated scoring system. Utilizing variant allele frequency, disease prevalence and penetrance estimates, and inheritance mode, an automated score was calculated to assess if this variant is too frequent to cause the disease. Based on the score and internal cut-off values, a variant classified as benign is not then subjected to further curation. The score for this variant resulted in a classification of benign for this disease.